The following is an entry in ClinVar:

NM_000081.4(LYST):c.3571G>A (p.Glu1191Lys)

Gene: LYST (lysosomal trafficking regulator; minus strand). Cytogenetic location: 1q42.3.
Variant type: single nucleotide variant.
Coding change: c.3571G>A on transcript NM_000081.4 (MANE Select); coding-DNA position 3571, G replaced by A.
Protein change: p.Glu1191Lys; replaces glutamic acid 1191 with lysine.
Molecular consequence: missense variant.
Genome position (GRCh38, 1-based): chr1:235,803,049, C>T on the plus strand (G>A on the coding strand, the complement: LYST is on the minus strand). VCF-style: chr1-235803049-C-T. GRCh37 (hg19) VCF-style: chr1-235966349-C-T.
Other names: c.3571G>A, p.Glu1191Lys (NM_001301365.1); short protein forms E1191K.
Identifiers: ClinVar variation 934969 (VCV000934969.6), dbSNP rs1462243987, ClinGen allele CA344947543.

ClinVar aggregate classification (germline): Uncertain significance (1 of 4 stars; one submission).

Conditions:
Chédiak-Higashi syndrome (CHS). Also called: Chediak-Higashi Syndrome. Identifiers: Orphanet 167, MedGen C0007965, MONDO:0008963, OMIM 214500.

Allele frequency attached by ClinVar (database versions not stated): gnomAD exomes 0.00001.
gnomAD v4.1: 3 of 1,612,772 alleles (0.00019%); highest among the groups gnomAD compares: Non-Finnish European, 0.00025%; no homozygotes.

Submission:

Labcorp Genetics (formerly Invitae), Labcorp
Classification: Uncertain significance for Chédiak-Higashi syndrome. Last evaluated: 2024-10-16. Review status: criteria provided, single submitter. Criteria: Invitae Variant Classification Sherloc (09022015). Collection method: clinical testing. Allele origin: germline.
Comment: This sequence change replaces glutamic acid, which is acidic and polar, with lysine, which is basic and polar, at codon 1191 of the LYST protein (p.Glu1191Lys). This variant is present in population databases (no rsID available, gnomAD 0.0009%). This variant has not been reported in the literature in individuals affected with LYST-related conditions. ClinVar contains an entry for this variant (Variation ID: 934969). Invitae Evidence Modeling of protein sequence and biophysical properties (such as structural, functional, and spatial information, amino acid conservation, physicochemical variation, residue mobility, and thermodynamic stability) indicates that this missense variant is not expected to disrupt LYST protein function with a negative predictive value of 80%. In summary, the available evidence is currently insufficient to determine the role of this variant in disease. Therefore, it has been classified as a Variant of Uncertain Significance.